The following is an entry in ClinVar:

ClinVar aggregate classification (germline): Uncertain significance (1 of 4 stars; one submission).

Submission:

GeneDx
Classification: Uncertain significance. Last evaluated: 2025-08-05. Review status: criteria provided, single submitter. Criteria: GeneDx Variant Classification Process June 2021. Collection method: clinical testing. Allele origin: germline. Affected: yes.
Comment: Not observed at significant frequency in large population cohorts (gnomAD); In silico analysis suggests that this missense variant does not alter protein structure/function; Has not been previously published as pathogenic or benign to our knowledge

NM_033517.1:c.3643A>T

Gene: SHANK3 (SH3 and multiple ankyrin repeat domains 3; plus strand).
Variant type: single nucleotide variant.
Other names: c.3643A>T (NM_033517.1).
Identifiers: ClinVar variation 4755894 (VCV004755894.1).